The following is an entry in ClinVar:

NM_001134363.3(RBM20):c.1545G>C (p.Gly515=)

Gene: RBM20 (RNA binding motif protein 20; plus strand). Cytogenetic location: 10q25.2.
Variant type: single nucleotide variant.
Coding change: c.1545G>C on transcript NM_001134363.3 (MANE Select); coding-DNA position 1545, G replaced by C.
Protein change: p.Gly515=; no amino-acid change (glycine 515 retained).
Molecular consequence: synonymous variant.
Genome position (GRCh38, 1-based): chr10:110,797,525, G>C. VCF-style: chr10-110797525-G-C. GRCh37 (hg19) VCF-style: chr10-112557283-G-C.
Other names: c.1545G>C (LRG_382t1).
Identifiers: ClinVar variation 514134 (VCV000514134.7), dbSNP rs1208880928, ClinGen allele CA471368146.

ClinVar aggregate classification (germline): Likely benign. Review status: criteria provided, multiple submitters, no conflicts (2 of 4 stars). 3 submissions from 3 submitters: Likely benign (3). Last evaluated 2025-05-18.

Conditions:
Cardiovascular phenotype. Identifiers: MedGen CN230736.
Dilated cardiomyopathy 1DD (CMD1DD). Identifiers: Orphanet 154, MedGen C2750995, MONDO:0013168, OMIM 613172.

Allele frequency attached by ClinVar (database versions not stated): gnomAD exomes below 0.00001; gnomAD 0.00001 and 0.00002; TOPMed 0.00002.
gnomAD v4.1: 3 of 1,551,270 alleles (0.00019%); highest among the groups gnomAD compares: African/African-American, 0.0041%; no homozygotes.

Submissions (3):

Labcorp Genetics (formerly Invitae), Labcorp
Classification: Likely benign for Dilated cardiomyopathy 1DD. Last evaluated: 2025-05-18. Review status: criteria provided, single submitter. Criteria: Invitae Variant Classification Sherloc (09022015). Collection method: clinical testing. Allele origin: germline.

Ambry Genetics
Classification: Likely benign for Cardiovascular phenotype. Last evaluated: 2018-11-02. Review status: criteria provided, single submitter. Criteria: Ambry Variant Classification Scheme 2023. Collection method: clinical testing. Allele origin: germline.

GeneDx
Classification: Likely benign. Last evaluated: 2018-01-04. Review status: criteria provided, single submitter. Criteria: GeneDx Variant Classification (06012015). Collection method: clinical testing. Allele origin: germline. Affected: yes.
Comment: This variant is considered likely benign or benign based on one or more of the following criteria: it is a conservative change, it occurs at a poorly conserved position in the protein, it is predicted to be benign by multiple in silico algorithms, and/or has population frequency not consistent with disease.